The following is an entry in ClinVar:

ClinVar aggregate classification (germline): Likely benign (1 of 4 stars; one submission).

Conditions:
NRP1-related disorder. Also called: NRP1-related condition.

gnomAD v4.1: 32 of 1,613,988 alleles (0.002%); highest among the groups gnomAD compares: Non-Finnish European, 0.0023%; no homozygotes.

Submission:

PreventionGenetics, part of Exact Sciences
Classification: Likely benign for NRP1-related condition. Last evaluated: 2026-06-05. Review status: criteria provided, single submitter. Criteria: ACMG Guidelines, 2015. Collection method: clinical testing. Allele origin: germline.
Comment: This variant is classified as likely benign based on ACMG/AMP sequence variant interpretation guidelines (Richards et al. 2015 PMID: 25741868, with internal and published modifications).

NM_003873.7(NRP1):c.2244C>T (p.Tyr748=)

Gene: NRP1 (neuropilin 1; minus strand). Cytogenetic location: 10p11.22.
Variant type: single nucleotide variant.
Coding change: c.2244C>T on transcript NM_003873.7 (MANE Select); coding-DNA position 2244, C replaced by T.
Protein change: p.Tyr748=; no amino-acid change (tyrosine 748 retained).
Molecular consequence: synonymous variant. On other transcripts: non-coding transcript variant (1).
Genome position (GRCh38, 1-based): chr10:33,186,307, G>A on the plus strand (C>T on the coding strand, the complement: NRP1 is on the minus strand). VCF-style: chr10-33186307-G-A. GRCh37 (hg19) VCF-style: chr10-33475235-G-A.
Other names: c.2226C>T, p.Tyr742= (NM_001244972.2); c.2223C>T, p.Tyr741= (NM_001244973.2); c.2244C>T, p.Tyr748= (NM_001330068.2).
Identifiers: ClinVar variation 4987757 (VCV004987757.1).